The following is an entry in ClinVar:

NM_001375808.2(LPIN2):c.2566C>T (p.Leu856Phe)

Gene: LPIN2 (lipin 2; minus strand). Cytogenetic location: 18p11.31.
Variant type: single nucleotide variant.
Coding change: c.2566C>T on transcript NM_001375808.2 (MANE Select); coding-DNA position 2566, C replaced by T.
Protein change: p.Leu856Phe; replaces leucine 856 with phenylalanine.
Molecular consequence: missense variant.
Genome position (GRCh38, 1-based): chr18:2,920,418, G>A on the plus strand (C>T on the coding strand, the complement: LPIN2 is on the minus strand). VCF-style: chr18-2920418-G-A. GRCh37 (hg19) VCF-style: chr18-2920416-G-A.
Other names: c.2566C>T, p.Leu856Phe (NM_001375809.1, NM_014646.2); short protein forms L856F.
Identifiers: ClinVar variation 1523926 (VCV001523926.6), dbSNP rs200839841, ClinGen allele CA401693949.

ClinVar aggregate classification (germline): Uncertain significance (1 of 4 stars; one submission).

Conditions:
Majeed syndrome (MJDS). Also called: CHRONIC RECURRENT MULTIFOCAL OSTEOMYELITIS 1, WITH CONGENITAL DYSERYTHROPOIETIC ANEMIA, WITH OR WITHOUT NEUTROPHILIC DERMATOSIS; LPIN2-Related Majeed Syndrome. Identifiers: Orphanet 77297, MedGen C1864997, MONDO:0012316, OMIM 609628.

gnomAD v4.1: 2 of 1,613,840 alleles (0.00012%); highest among the groups gnomAD compares: Non-Finnish European, 0.000085%; no homozygotes.

Submission:

Labcorp Genetics (formerly Invitae), Labcorp
Classification: Uncertain significance for Majeed syndrome. Last evaluated: 2023-07-10. Review status: criteria provided, single submitter. Criteria: Invitae Variant Classification Sherloc (09022015). Collection method: clinical testing. Allele origin: germline.
Comment: This variant is not present in population databases (gnomAD no frequency). This sequence change replaces leucine, which is neutral and non-polar, with phenylalanine, which is neutral and non-polar, at codon 856 of the LPIN2 protein (p.Leu856Phe). This variant has not been reported in the literature in individuals affected with LPIN2-related conditions. ClinVar contains an entry for this variant (Variation ID: 1523926). Advanced modeling of protein sequence and biophysical properties (such as structural, functional, and spatial information, amino acid conservation, physicochemical variation, residue mobility, and thermodynamic stability) performed at Invitae indicates that this missense variant is expected to disrupt LPIN2 protein function. In summary, the available evidence is currently insufficient to determine the role of this variant in disease. Therefore, it has been classified as a Variant of Uncertain Significance.